The following is an entry in ClinVar:

NM_007118.4(TRIO):c.2587G>C (p.Gly863Arg)

Gene: TRIO (trio Rho guanine nucleotide exchange factor; plus strand). Cytogenetic location: 5p15.2.
Variant type: single nucleotide variant.
Coding change: c.2587G>C on transcript NM_007118.4 (MANE Select); coding-DNA position 2587, G replaced by C.
Protein change: p.Gly863Arg; replaces glycine 863 with arginine.
Molecular consequence: missense variant. On other transcripts: non-coding transcript variant (1).
Genome position (GRCh38, 1-based): chr5:14,363,927, G>C. VCF-style: chr5-14363927-G-C. GRCh37 (hg19) VCF-style: chr5-14364036-G-C.
Other names: short protein forms G863R.
Identifiers: ClinVar variation 3765711 (VCV003765711.1).
Genomic context (GRCh38, chr5:14,363,927, plus strand): 5'-TTTGACGTCATCCACCAAGGGCAAGATCTTCTGCAGTATGTCAATGAGGTCCAGGCCTCT[G>C]GTAAGAGGGCTCACTCCATCTGTGTCCGTTGTGATTTCTTCATGTCGTCATGGCAATTCG-3'
Protein context (NP_009049.2, residues 853-873): LQYVNEVQAS[Gly863Arg]VELLCDRDVD

ClinVar aggregate classification (germline): Uncertain significance (1 of 4 stars; one submission).

Submission:

Greenwood Genetic Center Diagnostic Laboratories, Greenwood Genetic Center
Classification: Uncertain significance. Last evaluated: 2024-10-16. Review status: criteria provided, single submitter. Criteria: ACMG Guidelines, 2015. Collection method: clinical testing. Allele origin: germline. Affected: yes.
Comment: PM2, PP2, PP3